The following is an entry in ClinVar:

ClinVar aggregate classification (germline): Uncertain significance (1 of 4 stars; one submission).

Conditions:
Short-rib thoracic dysplasia 14 with polydactyly (SRTD14). Identifiers: Orphanet 397715, MedGen C4225286, MONDO:0014688, OMIM 616546.
Joubert syndrome 23 (JBTS23). Identifiers: Orphanet 475, MedGen C4084822, MONDO:0014664, OMIM 616490.

Allele frequency attached by ClinVar (database versions not stated): gnomAD exomes below 0.00001.
gnomAD v4.1: 4 of 1,607,258 alleles (0.00025%); highest among the groups gnomAD compares: Admixed American, 0.0017%; no homozygotes.

Submission:

Labcorp Genetics (formerly Invitae), Labcorp
Classification: Uncertain significance for Joubert syndrome 23; Short-rib thoracic dysplasia 14 with polydactyly. Last evaluated: 2019-04-01. Review status: criteria provided, single submitter. Criteria: Invitae Variant Classification Sherloc (09022015). Collection method: clinical testing. Allele origin: germline.
Comment: This sequence change replaces glutamine with arginine at codon 548 of the KIAA0586 protein (p.Gln548Arg). The glutamine residue is highly conserved and there is a small physicochemical difference between glutamine and arginine. This variant is not present in population databases (ExAC no frequency). This variant has not been reported in the literature in individuals with KIAA0586-related conditions. Algorithms developed to predict the effect of missense changes on protein structure and function are either unavailable or do not agree on the potential impact of this missense change (SIFT: "Deleterious"; PolyPhen-2: "Probably Damaging"; Align-GVGD: "Class C0"). In summary, the available evidence is currently insufficient to determine the role of this variant in disease. Therefore, it has been classified as a Variant of Uncertain Significance.

NM_001329943.3(KIAA0586):c.1484A>G (p.Gln495Arg)

Gene: KIAA0586 (KIAA0586; plus strand). Cytogenetic location: 14q23.1.
Variant type: single nucleotide variant.
Coding change: c.1484A>G on transcript NM_001329943.3 (MANE Select); coding-DNA position 1484, A replaced by G.
Protein change: p.Gln495Arg; replaces glutamine 495 with arginine.
Molecular consequence: missense variant.
Genome position (GRCh38, 1-based): chr14:58,457,880, A>G. VCF-style: chr14-58457880-A-G. GRCh37 (hg19) VCF-style: chr14-58924598-A-G.
Other names: c.1643A>G, p.Gln548Arg (NM_001244189.2); c.1439A>G, p.Gln480Arg (NM_001244190.2); c.1229A>G, p.Gln410Arg (NM_001244191.2, NM_001329945.2, NM_001364700.1 and 1 more transcripts); c.1352A>G, p.Gln451Arg (NM_001244192.2); c.1064A>G, p.Gln355Arg (NM_001244193.2); c.1484A>G, p.Gln495Arg (NM_001329944.2, NM_001329946.2, NM_001329947.2 and 1 more transcripts); short protein forms Q355R, Q495R, Q480R, Q410R, Q451R, Q548R.
Identifiers: ClinVar variation 951504 (VCV000951504.1), dbSNP rs2040004897, ClinGen allele CA389868444.
Genomic context (GRCh38, chr14:58,457,880, plus strand): 5'-AAACAACCAATACAACAAGATCTGTATTGAAAGATGCTGAGAAGATTTTGAGAGGAGTAC[A>G]AAACAATAAAAAAGTACTTGAAGAAAACCTGGAAGCTATTATTCGTGCAAAAGATGGAGC-3'
Protein context (NP_001316872.1, residues 485-505): KDAEKILRGV[Gln495Arg]NNKKVLEENL